The following is an entry in ClinVar:

ClinVar aggregate classification (germline): Pathogenic. Review status: reviewed by expert panel (3 of 4 stars). 16 submissions from 16 submitters: Pathogenic (1). 15 of the submissions do not count toward it. Last evaluated 2026-09-21.

Conditions:
BRCA1-related cancer predisposition. Identifiers: MedGen CN377757, MONDO:0700268.
Hereditary cancer-predisposing syndrome. Also called: Tumor predisposition; Neoplastic Syndromes, Hereditary; Hereditary Cancer Syndrome; Hereditary neoplastic syndrome. Identifiers: Orphanet 140162, MedGen C0027672, MeSH D009386, MONDO:0015356.
Hereditary breast ovarian cancer syndrome. Also called: Hereditary breast and ovarian cancer syndrome (HBOC); Hereditary breast and ovarian cancer syndrome; Hereditary breast and ovarian cancer; Hereditary breast and/or ovarian cancer syndrome; Breast and ovarian cancer; BRCA1- and BRCA2-Associated Hereditary Breast and Ovarian Cancer. Identifiers: Orphanet 145, MedGen C0677776, MeSH D061325, MONDO:0003582. Disease mechanism: loss of function.
Malignant tumor of urinary bladder. Also called: Bladder cancer; Urinary bladder cancer; Urinary Bladder Neoplasms. Identifiers: MedGen C0005684, MONDO:0001187, OMIM 109800.
Breast-ovarian cancer, familial, susceptibility to, 1 (BROVCA1). Also called: OVARIAN CANCER, SUSCEPTIBILITY TO; BRCA1 Hereditary Breast and Ovarian Cancer. Identifiers: Orphanet 145, MedGen C2676676, MONDO:0011450, OMIM 604370. Disease mechanism: loss of function.

Submissions 1 to 5 of 17:

ClinGen ENIGMA BRCA1 and BRCA2 Variant Curation Expert Panel, ClinGen
Classification: Pathogenic for BRCA1-related cancer predisposition. Last evaluated: 2026-09-21. Review status: reviewed by expert panel. Criteria: CSpec BRCA1/2ACMG Rules Specifications V1.2. Collection method: curation. Allele origin: germline. Inheritance: Autosomal dominant inheritance.
Comment: The c.5074G>A variant in BRCA1 is a variant predicted to cause substitution of aspartic acid by asparagine at amino acid 1692 (p.Asp1692Asn). This variant has been previously reported as 5193G>A in PMID: 9452084. This variant is absent from gnomAD v4.1 (read depth ≥25x in >90% samples, PM2_Supporting met). This BRCA1 missense variant has a SpliceAI score of 0.73, predicting an impact on splicing (score threshold ≥0.2) (PP3 not applied because a PVS1 (RNA) code is met). This variant is reported to result in aberrant mRNA splicing. Mini-gene demonstrated that the variant impacts splicing by out-of-frame skipping of exon 16(17) and in-frame retention of 153 bp of intron 16(17) (containing a premature stop codon and predicted to be non-functional) (PMID 25724305). The percent skipping of exon 16(17)/in-frame retention produced from the variant allele, estimated by measuring gel electrophoretic band intensities, was stated to be 25%/75%, no full-length transcript is produced by the variant allele and all transcripts produced are predicted to be non-functional. Final code strength determined by the rubric: PVS1_Strong (RNA). Functional data considered only from assays that measure effect via mRNA and protein. Results from two calibrated studies with cDNA based design not considered for code application (PMIDs:38709234, 32546644). Reported by one calibrated study incorporating mRNA splicing effect to exhibit function similar to pathogenic control variants (PMID:30209399) (PS3 met). Multifactorial likelihood ratio analysis using clinically calibrated data produced a combined LR for this variant of 3.065 (based on Co-occurrence LR=1.3848; Family History LR=2.213), above the thresholds for Supporting evidence towards pathogenicity (LR >2.08 & ≤4.3) (PP4 met; PMID 31853058, Internal lab contributors). In summary, this variant meets the criteria to be classified as a Pathogenic variant for BRCA1-related cancer predisposition based on the ACMG/AMP criteria applied as specified by the ENIGMA BRCA1/2 VCEP (PM2_Supporting, PVS1_Strong (RNA), PS3, PP4).

Labcorp Genetics (formerly Invitae), Labcorp
Classification: Pathogenic for Hereditary breast ovarian cancer syndrome. Last evaluated: 2025-10-26. Review status: criteria provided, single submitter. Criteria: Invitae Variant Classification Sherloc (09022015). Collection method: clinical testing. Allele origin: germline. Not counted in ClinVar's aggregate classification.
Comment: This sequence change replaces aspartic acid, which is acidic and polar, with asparagine, which is neutral and polar, at codon 1692 of the BRCA1 protein (p.Asp1692Asn). This variant also falls at the last nucleotide of exon 16, which is part of the consensus splice site for this exon. This variant is not present in population databases (gnomAD no frequency). This missense change has been observed in individual(s) with breast and/or ovarian cancer (PMID: 8460636, 9452084, 10196379, 15571962). It is commonly reported in individuals of Icelandic ancestry (PMID: 8460636, 9452084, 15571962). This variant is also known as 5193G>A. ClinVar contains an entry for this variant (Variation ID: 37632). An algorithm developed to predict the effect of missense changes on protein structure and function (PolyPhen-2) suggests that this variant is likely to be disruptive. Experimental studies have shown that this missense change affects BRCA1 function (PMID: 25748678, 30209399). Variants that disrupt the consensus splice site are a relatively common cause of aberrant splicing (PMID: 17576681, 9536098). Studies have shown that this missense change is associated with inconclusive levels of altered splicing (internal data). For these reasons, this variant has been classified as Pathogenic.

Ambry Genetics
Classification: Pathogenic for Hereditary cancer-predisposing syndrome. Last evaluated: 2025-06-25. Review status: criteria provided, single submitter. Criteria: Ambry Variant Classification Scheme 2023. Collection method: clinical testing. Allele origin: germline. Not counted in ClinVar's aggregate classification.
Comment: The c.5074G>A pathogenic mutation (also known as p.D1692N), located in coding exon 15 of the BRCA1 gene, results from a G to A substitution at nucleotide position 5074. The amino acid change results in aspartic acid to asparagine at codon 1692, an amino acid with highly similar properties. However, this change occurs in the last base pair of coding exon 15, which makes it likely to have some effect on normal mRNA splicing. In silico splice site analysis predicts that this alteration will weaken the native splice donor site. RNA analysis shows that this variant results in the skipping of exon 17 and to use a cryptic splice donor site 153 base pairs of the 5' end of intron 17 (Ambry internal data; Ahlborn LB, et al. Breast Cancer Res.Treat. 2015;150(2):289-98. One functional study found that this nucleotide substitution is non-functional in a high throughput genome editing haploid cell survival assay (Findlay GM. Nature. 2018 10;562(7726):217-222). This alteration segregated with disease in a large family and is considered an Icelandic founder mutation (Bergthorsson JT, et al. Hum. Mutat. 1998 ; Suppl 1():S195-7). Of note, this alteration is also designated as 5193G>A in published literature. This variant is considered to be rare based on population cohorts in the Genome Aggregation Database (gnomAD). The nucleotide and amino acid positions are highly conserved in available vertebrate species. Based on the supporting evidence, this alteration is interpreted as a disease-causing mutation.

Center for Genomic Medicine, Rigshospitalet, Copenhagen University Hospital
Classification: Pathogenic. Last evaluated: 2025-03-04. Review status: criteria provided, single submitter. Criteria: ACMG Guidelines, 2015. Collection method: clinical testing. Allele origin: germline. Not counted in ClinVar's aggregate classification.

GeneDx
Classification: Pathogenic. Last evaluated: 2023-07-27. Review status: criteria provided, single submitter. Criteria: GeneDx Variant Classification Process June 2021. Collection method: clinical testing. Allele origin: germline. Affected: yes. Not counted in ClinVar's aggregate classification.
Comment: Alters the last nucleotide of the exon and demonstrated to cause aberrant splicing, resulting predominantly in out-of-frame skipping of exon 17, as well as use of a cryptic splice donor site (Ahlborn et al., 2015); Described as an Icelandic founder variant which has been observed in individuals with breast or ovarian cancer (Arason et al., 1998; Bergthorsson et al., 1998; Janezic et al., 1999; Rafnar et al., 2004; Carter et al., 2018; Li et al., 2018; Zheng et al., 2018; Su et al., 2021); Published functional studies demonstrate a damaging effect: classified as non-functional based on a saturation genome editing (SGE) assay measuring cell growth (Findlay et al., 2018); Not observed at significant frequency in large population cohorts (gnomAD); Also known as 5193G>A; This variant is associated with the following publications: (PMID: 25722380, 30251169, 15235020, 25724305, 9452084, 20378548, 11157798, 20516115, 15571962, 15172985, 17305420, 23239986, 25748678, 24772314, 10196379, 27495310, 21447777, 16267036, 28726806, 29446198, 23199084, 21769658, 21147198, 12531920, 30078507, 30322717, 9500438, 29996917, 29884841, 32546644, 35665744, 32211327, 30130155, 9643283, 34917121, 36068545, 35171259, 25348405, 30209399)

NM_007294.4(BRCA1):c.5074G>A (p.Asp1692Asn)

Gene: BRCA1 (BRCA1 DNA repair associated; minus strand). Cytogenetic location: 17q21.31.
Variant type: single nucleotide variant.
Coding change: c.5074G>A on transcript NM_007294.4 (MANE Select); coding-DNA position 5074, G replaced by A.
Protein change: p.Asp1692Asn; replaces aspartic acid 1692 with asparagine.
Molecular consequence: missense variant. On other transcripts: non-coding transcript variant (1).
Genome position (GRCh38, 1-based): chr17:43,067,608, C>T on the plus strand (G>A on the coding strand, the complement: BRCA1 is on the minus strand). VCF-style: chr17-43067608-C-T. GRCh37 (hg19) VCF-style: chr17-41219625-C-T.
Other names: NM_007294.4(BRCA1):c.5074G>A; p.Asp1692Asn; 5193G>A; c.4735G>A, p.Asp1579Asn (NM_001407958.1, NM_001407956.1, NM_001407957.1); c.4693G>A, p.Asp1565Asn (NM_001407959.1); c.4690G>A, p.Asp1564Asn (NM_001407960.1, NM_001407962.1); c.4687G>A, p.Asp1563Asn (NM_001407963.1); c.4612G>A, p.Asp1538Asn (NM_001407964.1); and 75 more; short protein forms D1692N, D1645N, D1713N, D588N, D1620N, D1648N, D1649N, D1650N.
Identifiers: ClinVar variation 37632 (VCV000037632.47), dbSNP rs80187739, ClinGen allele CA003201.